The following is an entry in ClinVar:

ClinVar aggregate classification (germline): Uncertain significance (1 of 4 stars; one submission).

Conditions:
Familial thoracic aortic aneurysm and aortic dissection (TAAD). Also called: Thoracic aortic aneurysms and dissections. Identifiers: Orphanet 91387, MedGen C4707243, MONDO:0019625.

Submission:

Labcorp Genetics (formerly Invitae), Labcorp
Classification: Uncertain significance for Familial thoracic aortic aneurysm and aortic dissection. Last evaluated: 2025-10-21. Review status: criteria provided, single submitter. Criteria: Invitae Variant Classification Sherloc (09022015). Collection method: clinical testing. Allele origin: germline.
Comment: This sequence change replaces arginine, which is basic and polar, with serine, which is neutral and polar, at codon 221 of the TGFBR1 protein (p.Arg221Ser). This variant is not present in population databases (gnomAD no frequency). This variant has not been reported in the literature in individuals affected with TGFBR1-related conditions. Invitae Evidence Modeling of protein sequence and biophysical properties (such as structural, functional, and spatial information, amino acid conservation, physicochemical variation, residue mobility, and thermodynamic stability) indicates that this missense variant is expected to disrupt TGFBR1 protein function with a positive predictive value of 80%. In summary, the available evidence is currently insufficient to determine the role of this variant in disease. Therefore, it has been classified as a Variant of Uncertain Significance.

NM_004612.4(TGFBR1):c.663A>C (p.Arg221Ser)

Gene: TGFBR1 (transforming growth factor beta receptor 1; plus strand). Cytogenetic location: 9q22.33.
Variant type: single nucleotide variant.
Coding change: c.663A>C on transcript NM_004612.4 (MANE Select); coding-DNA position 663, A replaced by C.
Protein change: p.Arg221Ser; replaces arginine 221 with serine.
Molecular consequence: missense variant. On other transcripts: non-coding transcript variant (4), intron variant (2).
Genome position (GRCh38, 1-based): chr9:99,137,947, A>C. VCF-style: chr9-99137947-A-C. GRCh37 (hg19) VCF-style: chr9-101900229-A-C.
Other names: c.432A>C, p.Arg144Ser (NM_001130916.3); c.675A>C, p.Arg225Ser (NM_001306210.2, NM_001407416.1); c.663A>C, p.Arg221Ser (NM_001407417.1); c.468A>C, p.Arg156Ser (NM_001407418.1, NM_001407419.1, NM_001407420.1 and 1 more transcripts); c.456A>C, p.Arg152Ser (NM_001407423.1, NM_001407424.1, NM_001407425.1 and 8 more transcripts); c.417A>C, p.Arg139Ser (NM_001407436.1); c.186A>C, p.Arg62Ser (NM_001407438.1); c.575-4589A>C (NM_001407435.1); and 1 more; short protein forms R144S, R156S, R139S, R221S, R62S, R152S, R225S.
Identifiers: ClinVar variation 4702001 (VCV004702001.1).